The following is an entry in ClinVar:

ClinVar aggregate classification (germline): Uncertain significance. Review status: criteria provided, multiple submitters, no conflicts (2 of 4 stars). 2 submissions from 2 submitters: Uncertain significance (2). Last evaluated 2025-08-02.

Conditions:
Inborn genetic diseases. Identifiers: MedGen C0950123, MeSH D030342.

Allele frequency attached by ClinVar (database versions not stated): ExAC 0.00002; TOPMed 0.00003; gnomAD 0.00004.
gnomAD v4.1: 179 of 1,607,682 alleles (0.011%); highest among the groups gnomAD compares: Non-Finnish European, 0.015%; no homozygotes.

Submissions (2):

Labcorp Genetics (formerly Invitae), Labcorp
Classification: Uncertain significance. Last evaluated: 2025-08-02. Review status: criteria provided, single submitter. Criteria: Invitae Variant Classification Sherloc (09022015). Collection method: clinical testing. Allele origin: germline.
Comment: This sequence change replaces glutamic acid, which is acidic and polar, with lysine, which is basic and polar, at codon 589 of the DCHS1 protein (p.Glu589Lys). This variant is present in population databases (rs761959340, gnomAD 0.007%). This variant has not been reported in the literature in individuals affected with DCHS1-related conditions. ClinVar contains an entry for this variant (Variation ID: 1963535). Invitae Evidence Modeling of protein sequence and biophysical properties (such as structural, functional, and spatial information, amino acid conservation, physicochemical variation, residue mobility, and thermodynamic stability) indicates that this missense variant is not expected to disrupt DCHS1 protein function with a negative predictive value of 80%. In summary, the available evidence is currently insufficient to determine the role of this variant in disease. Therefore, it has been classified as a Variant of Uncertain Significance.

Ambry Genetics
Classification: Uncertain significance for Inborn genetic diseases. Last evaluated: 2021-05-10. Review status: criteria provided, single submitter. Criteria: Ambry Variant Classification Scheme 2023. Collection method: clinical testing. Allele origin: germline.

NM_003737.4(DCHS1):c.1765G>A (p.Glu589Lys)

Gene: DCHS1 (dachsous cadherin-related 1; minus strand). Cytogenetic location: 11p15.4.
Variant type: single nucleotide variant.
Coding change: c.1765G>A on transcript NM_003737.4 (MANE Select); coding-DNA position 1765, G replaced by A.
Protein change: p.Glu589Lys; replaces glutamic acid 589 with lysine.
Molecular consequence: missense variant.
Genome position (GRCh38, 1-based): chr11:6,639,849, C>T on the plus strand (G>A on the coding strand, the complement: DCHS1 is on the minus strand). VCF-style: chr11-6639849-C-T. GRCh37 (hg19) VCF-style: chr11-6661080-C-T.
Other names: short protein forms E589K.
Identifiers: ClinVar variation 1963535 (VCV001963535.6), dbSNP rs761959340, ClinGen allele CA5860905.
Genomic context (GRCh38, chr11:6,639,849, plus strand): 5'-TATCTTGCTATGTGCCAGGCCTACCCACCTGCAGGAAGCAAGTTCCAGGCTGGGTGCCCT[C>T]AGGCAGTGAGGCATTGTAGAAAGTCCTCTGGAATTGGGGCTCATTATCATTCACATCTTG-3'
Protein context (NP_003728.1, residues 579-599): QRTFYNASLP[Glu589Lys]GTQPGTCFLQ